The following is an entry in ClinVar:

ClinVar aggregate classification (germline): Uncertain significance (0 of 4 stars; one submission).

Conditions:
RAB23-related disorder. Also called: RAB23-related condition.

Submission:

PreventionGenetics, part of Exact Sciences
Classification: Uncertain significance for RAB23-related condition. Last evaluated: 2024-05-23. Review status: no assertion criteria provided. Collection method: clinical testing. Allele origin: germline.
Comment: The RAB23 c.15T>A variant is predicted to result in the amino acid substitution p.Asp5Glu. To our knowledge, this variant has not been reported in the literature or in a large population database, indicating this variant is rare. At this time, the clinical significance of this variant is uncertain due to the absence of conclusive functional and genetic evidence.

NM_016277.5(RAB23):c.15T>A (p.Asp5Glu)

Gene: RAB23 (RAB23, member RAS oncogene family; minus strand). Cytogenetic location: 6p11.2.
Variant type: single nucleotide variant.
Coding change: c.15T>A on transcript NM_016277.5 (MANE Select); coding-DNA position 15, T replaced by A.
Protein change: p.Asp5Glu; replaces aspartic acid 5 with glutamic acid.
Molecular consequence: missense variant. On other transcripts: non-coding transcript variant (1).
Genome position (GRCh38, 1-based): chr6:57,210,366, A>T on the plus strand (T>A on the coding strand, the complement: RAB23 is on the minus strand). VCF-style: chr6-57210366-A-T. GRCh37 (hg19) VCF-style: chr6-57075164-A-T.
Other names: c.15T>A, p.Asp5Glu (NM_001278666.2, NM_001278667.2, NM_001278668.2 and 1 more transcripts); short protein forms D5E.
Identifiers: ClinVar variation 3347444 (VCV003347444.1).
Genomic context (GRCh38, chr6:57,210,366, plus strand): 5'-CATACTTGATTTTCCAACTGCTCCATTCCCTACAACCACCATCTTTATGGCGACTTCCAT[A>T]TCTTCCTCCAACATTTTTGGAGCTGAAATGGTTTCTGTACCAACTCTAATTCTAGGAGAT-3'
Protein context (NP_057361.3, residues 1-15): MLEE[Asp5Glu]MEVAIKMVVV